The following is an entry in ClinVar:

NM_001077350.3(NPRL3):c.1597G>C (p.Glu533Gln)

Gene: NPRL3 (NPR3 like, GATOR1 complex subunit; minus strand). Cytogenetic location: 16p13.3.
Variant type: single nucleotide variant.
Coding change: c.1597G>C on transcript NM_001077350.3 (MANE Select); coding-DNA position 1597, G replaced by C.
Protein change: p.Glu533Gln; replaces glutamic acid 533 with glutamine.
Molecular consequence: missense variant.
Genome position (GRCh38, 1-based): chr16:86,818, C>G on the plus strand (G>C on the coding strand, the complement: NPRL3 is on the minus strand). VCF-style: chr16-86818-C-G. GRCh37 (hg19) VCF-style: chr16-136817-C-G.
Other names: c.1060G>C, p.Glu354Gln (NM_001039476.3); c.1363G>C, p.Glu455Gln (NM_001243247.2); c.1522G>C, p.Glu508Gln (NM_001243248.2, NM_001243249.2); short protein forms E455Q, E354Q, E533Q, E508Q.
Identifiers: ClinVar variation 2869006 (VCV002869006.3), dbSNP rs1319822209, ClinGen allele CA394045068.

ClinVar aggregate classification (germline): Uncertain significance (1 of 4 stars; one submission).

Conditions:
Epilepsy, familial focal, with variable foci 3 (FFEVF3). Identifiers: MedGen C4310708, MONDO:0014925, OMIM 617118.

Submission:

Labcorp Genetics (formerly Invitae), Labcorp
Classification: Uncertain significance for Epilepsy, familial focal, with variable foci 3. Last evaluated: 2023-10-05. Review status: criteria provided, single submitter. Criteria: Invitae Variant Classification Sherloc (09022015). Collection method: clinical testing. Allele origin: germline.
Comment: This sequence change replaces glutamic acid, which is acidic and polar, with glutamine, which is neutral and polar, at codon 533 of the NPRL3 protein (p.Glu533Gln). This variant is not present in population databases (gnomAD no frequency). This variant has not been reported in the literature in individuals affected with NPRL3-related conditions. Advanced modeling of protein sequence and biophysical properties (such as structural, functional, and spatial information, amino acid conservation, physicochemical variation, residue mobility, and thermodynamic stability) has been performed at Invitae for this missense variant, however the output from this modeling did not meet the statistical confidence thresholds required to predict the impact of this variant on NPRL3 protein function. In summary, the available evidence is currently insufficient to determine the role of this variant in disease. Therefore, it has been classified as a Variant of Uncertain Significance.